The following is an entry in ClinVar:

NM_001354930.2(RIPK1):c.1922T>C (p.Ile641Thr)

Gene: RIPK1 (receptor interacting serine/threonine kinase 1; plus strand). Cytogenetic location: 6p25.2.
Variant type: single nucleotide variant.
Coding change: c.1922T>C on transcript NM_001354930.2 (MANE Select); coding-DNA position 1922, T replaced by C.
Protein change: p.Ile641Thr; replaces isoleucine 641 with threonine.
Molecular consequence: missense variant.
Genome position (GRCh38, 1-based): chr6:3,113,245, T>C. VCF-style: chr6-3113245-T-C. GRCh37 (hg19) VCF-style: chr6-3113479-T-C.
Other names: c.1433T>C, p.Ile478Thr (NM_001317061.3, NM_001354932.2, NM_001354933.2 and 1 more transcripts); c.1784T>C, p.Ile595Thr (NM_001354931.2); c.1922T>C, p.Ile641Thr (NM_003804.6); short protein forms I478T, I641T, I595T.
Identifiers: ClinVar variation 1916809 (VCV001916809.5), dbSNP rs375933886, ClinGen allele CA3618538.

ClinVar aggregate classification (germline): Uncertain significance (1 of 4 stars; one submission).

Allele frequency attached by ClinVar (database versions not stated): gnomAD 0.00001; gnomAD exomes 0.00001; TOPMed 0.00001; ExAC 0.00005; ESP Exome Variant Server 0.00008.
gnomAD v4.1: 19 of 1,613,904 alleles (0.0012%); highest among the groups gnomAD compares: Non-Finnish European, 0.0016%; no homozygotes.

Submission:

Labcorp Genetics (formerly Invitae), Labcorp
Classification: Uncertain significance. Last evaluated: 2025-02-15. Review status: criteria provided, single submitter. Criteria: Invitae Variant Classification Sherloc (09022015). Collection method: clinical testing. Allele origin: germline.
Comment: This sequence change replaces isoleucine, which is neutral and non-polar, with threonine, which is neutral and polar, at codon 641 of the RIPK1 protein (p.Ile641Thr). This variant is present in population databases (rs375933886, gnomAD 0.005%). This variant has not been reported in the literature in individuals affected with RIPK1-related conditions. ClinVar contains an entry for this variant (Variation ID: 1916809). An algorithm developed to predict the effect of missense changes on protein structure and function outputs the following: PolyPhen-2: "Benign". The threonine amino acid residue is found in multiple mammalian species, which suggests that this missense change does not adversely affect protein function. In summary, the available evidence is currently insufficient to determine the role of this variant in disease. Therefore, it has been classified as a Variant of Uncertain Significance.